The following is an entry in ClinVar:

NM_000037.4(ANK1):c.1998G>T (p.Lys666Asn)

Gene: ANK1 (ankyrin 1; minus strand). Cytogenetic location: 8p11.21.
Variant type: single nucleotide variant.
Coding change: c.1998G>T on transcript NM_000037.4 (MANE Select); coding-DNA position 1998, G replaced by T.
Protein change: p.Lys666Asn; replaces lysine 666 with asparagine.
Molecular consequence: missense variant.
Genome position (GRCh38, 1-based): chr8:41,708,778, C>A on the plus strand (G>T on the coding strand, the complement: ANK1 is on the minus strand). VCF-style: chr8-41708778-C-A. GRCh37 (hg19) VCF-style: chr8-41566296-C-A.
Other names: c.2097G>T, p.Lys699Asn (NM_001142446.2); c.1998G>T, p.Lys666Asn (NM_020475.3, NM_020476.3, NM_020477.3); short protein forms K666N, K699N.
Identifiers: ClinVar variation 1163297 (VCV001163297.8), dbSNP rs2150621572, ClinGen allele CA371067588.

ClinVar aggregate classification (germline): Uncertain significance. Review status: criteria provided, multiple submitters, no conflicts (2 of 4 stars). 2 submissions from 2 submitters: Uncertain significance (2). Last evaluated 2023-11-29.

Submissions (2):

Labcorp Genetics (formerly Invitae), Labcorp
Classification: Uncertain significance. Last evaluated: 2023-11-29. Review status: criteria provided, single submitter. Criteria: Invitae Variant Classification Sherloc (09022015). Collection method: clinical testing. Allele origin: germline.
Comment: This sequence change replaces lysine, which is basic and polar, with asparagine, which is neutral and polar, at codon 666 of the ANK1 protein (p.Lys666Asn). This variant also falls at the last nucleotide of exon 17, which is part of the consensus splice site for this exon. This variant is not present in population databases (gnomAD no frequency). This variant has not been reported in the literature in individuals affected with ANK1-related conditions. ClinVar contains an entry for this variant (Variation ID: 1163297). An algorithm developed to predict the effect of missense changes on protein structure and function (PolyPhen-2) suggests that this variant is likely to be disruptive. Variants that disrupt the consensus splice site are a relatively common cause of aberrant splicing (PMID: 17576681, 9536098). Algorithms developed to predict the effect of sequence changes on RNA splicing suggest that this variant may disrupt the consensus splice site. In summary, the available evidence is currently insufficient to determine the role of this variant in disease. Therefore, it has been classified as a Variant of Uncertain Significance.

Mayo Clinic Laboratories, Mayo Clinic
Classification: Uncertain significance. Last evaluated: 2021-02-05. Review status: criteria provided, single submitter. Criteria: ACMG Guidelines, 2015. Collection method: clinical testing. Allele origin: germline. Observed: 1 variant allele.

Literature cited by the submitters: PubMed 17576681 (cited by Labcorp Genetics (formerly Invitae), Labcorp); PubMed 9536098 (cited by Labcorp Genetics (formerly Invitae), Labcorp).